The following is an entry in ClinVar:

ClinVar aggregate classification (germline): Uncertain significance (1 of 4 stars; one submission).

Submission:

Labcorp Genetics (formerly Invitae), Labcorp
Classification: Uncertain significance. Last evaluated: 2025-11-18. Review status: criteria provided, single submitter. Criteria: Invitae Variant Classification Sherloc (09022015). Collection method: clinical testing. Allele origin: germline.
Comment: This variant, c.5930_5931insGAGCCGCACCCCCAGCCGCCG, results in the insertion of 7 amino acid(s) of the SON protein (p.Ser1992_Arg1998dup), but otherwise preserves the integrity of the reading frame. This variant is not present in population databases (gnomAD no frequency). This variant has not been reported in the literature in individuals affected with SON-related conditions. ClinVar contains an entry for this variant (Variation ID: 1467530). Experimental studies and prediction algorithms are not available or were not evaluated, and the functional significance of this variant is currently unknown. In summary, the available evidence is currently insufficient to determine the role of this variant in disease. Therefore, it has been classified as a Variant of Uncertain Significance.

NM_138927.4(SON):c.5930_5931insGAGCCGCACCCCCAGCCGCCG (p.1957SRTPSRR[7])

Gene: SON (SON DNA and RNA binding protein; plus strand). Cytogenetic location: 21q22.11.
Variant type: Insertion.
Coding change: c.5930_5931insGAGCCGCACCCCCAGCCGCCG on transcript NM_138927.4 (MANE Select); coding-DNA positions 5930 to 5931, GAGCCGCACCCCCAGCCGCCG inserted.
Protein change: p.1957SRTPSRR[7].
Molecular consequence: inframe insertion. On other transcripts: non-coding transcript variant (1), intron variant (1).
Genome position: GRCh38 VCF-style: chr21-33555141-C-CAGCCGCACCCCCAGCCGCCGG. GRCh37 (hg19) VCF-style: chr21-34927447-C-CAGCCGCACCCCCAGCCGCCGG.
Other names: c.5930_5931insGAGCCGCACCCCCAGCCGCCG, p.1957SRTPSRR[7] (NM_001291411.2, NM_032195.3); c.245-1995_245-1994insGAGCCGCACCCCCAGCCGCCG (NM_001291412.3).
Identifiers: ClinVar variation 1467530 (VCV001467530.6), dbSNP rs2145840123, ClinGen allele CA2573157402.